The following is an entry in ClinVar:

ClinVar aggregate classification (germline): Pathogenic (1 of 4 stars; one submission).

Submission:

GeneDx
Classification: Pathogenic. Last evaluated: 2014-10-23. Review status: criteria provided, single submitter. Criteria: GeneDx Variant Classification (06012015). Collection method: clinical testing. Allele origin: germline. Affected: yes.
Comment: Although the c.8064delT mutation in the FBN1 gene has not been reported to our knowledge, this mutation causes a shift in reading frame starting at codon Glycine2689, changing it to a Glutamine, and creating a premature stop codon at position 63 of the new reading frame, denoted p.Gly2689GlufsX63. This mutation is expected to result in either an abnormal, truncated protein product or loss of protein from this allele through nonsense - mediated mRNA decay. Other frameshift mutations in the FBN1 gene have been reported in association with Marfan syndrome. In summary, c.8064delT in the FBN1 gene is interpreted as a disease-causing mutation.

NM_000138.5(FBN1):c.8064del (p.Gly2689fs)

Gene: FBN1 (fibrillin 1; minus strand). Cytogenetic location: 15q21.1.
Variant type: Deletion.
Coding change: c.8064del on transcript NM_000138.5 (MANE Select); coding-DNA position 8064, one base deleted (T; older notation c.8064delT).
Protein change: p.Gly2689fs; shifts the reading frame from glycine 2689.
Molecular consequence: frameshift variant.
Genome position (GRCh38, 1-based): chr15:48,412,731, A deleted on the plus strand (T on the coding strand, the reverse complement: FBN1 is on the minus strand). VCF-style (leftmost placement, unchanged base first): chr15-48412730-CA-C. GRCh37 (hg19) VCF-style: chr15-48704927-CA-C.
Other names: c.8064delT (NM_000138.4); short protein forms G2689fs.
Identifiers: ClinVar variation 200207 (VCV000200207.2), dbSNP rs794728344, ClinGen allele CA017533.
Genomic context (GRCh38, chr15:48,412,730, plus strand): 5'-AATTGTCATCCATTTCACCACTGACAGGTGGCTCTGGGTTTCCTCGGCCCATGCCCATTC[CA>C]GAAACACAGTGCCTGCAGCAGAAGGGGAGCATAGATGTTTTTCATTAGAATGGGAAGACA-3'